The following is an entry in ClinVar:

NM_001330260.2(SCN8A):c.2674G>T (p.Val892Leu)

Gene: SCN8A (sodium voltage-gated channel alpha subunit 8; plus strand). Cytogenetic location: 12q13.13.
Variant type: single nucleotide variant.
Coding change: c.2674G>T on transcript NM_001330260.2 (MANE Select); coding-DNA position 2674, G replaced by T.
Protein change: p.Val892Leu; replaces valine 892 with leucine.
Molecular consequence: missense variant.
Genome position (GRCh38, 1-based): chr12:51,765,800, G>T. VCF-style: chr12-51765800-G-T. GRCh37 (hg19) VCF-style: chr12-52159584-G-T.
Other names: c.2674G>T, p.Val892Leu (NM_001177984.3, NM_001369788.1, NM_014191.4); short protein forms V892L.
Identifiers: ClinVar variation 2850924 (VCV002850924.4), dbSNP rs1942829484, ClinGen allele CA384887662.
Genomic context (GRCh38, chr12:51,765,800, plus strand): 5'-GTGGGTGCCCTGGGCAACCTGACACTGGTGCTGGCCATTATTGTCTTCATCTTTGCCGTG[G>T]TGGGGATGCAACTCTTTGGAAAAAGCTACAAAGAGTGTGTCTGCAAGATCAACCAGGACT-3'
Protein context (NP_001317189.1, residues 882-902): LAIIVFIFAV[Val892Leu]GMQLFGKSYK

ClinVar aggregate classification (germline): Conflicting classifications of pathogenicity. Review status: criteria provided, conflicting classifications (1 of 4 stars). 2 submissions from 2 submitters: Pathogenic (1); Uncertain significance (1). Last evaluated 2024-03-26.

Conditions:
Developmental and epileptic encephalopathy, 13 (DEE13). Also called: SCN8A-Related Epilepsy; Early infantile epileptic encephalopathy 13; Developmental and Epileptic Encephalopathy (SCN8A-DEE). Identifiers: Orphanet 442835, MedGen C3281191, MONDO:0013801, OMIM 614558.
Early-infantile DEE. Also called: Early infantile epileptic encephalopathy; Ohtahara syndrome; Early infantile epileptic encephalopathy with suppression bursts. Identifiers: Orphanet 1934, MedGen C0393706, MONDO:0800491.

Submissions (2):

Genomic Medicine Center of Excellence, King Faisal Specialist Hospital and Research Centre
Classification: Uncertain significance for Developmental and epileptic encephalopathy, 13. Last evaluated: 2024-03-26. Review status: criteria provided, single submitter. Criteria: ACMG Guidelines, 2015. Collection method: clinical testing. Allele origin: germline.

Labcorp Genetics (formerly Invitae), Labcorp
Classification: Pathogenic for Early-infantile DEE. Last evaluated: 2023-06-20. Review status: criteria provided, single submitter. Criteria: Invitae Variant Classification Sherloc (09022015). Collection method: clinical testing. Allele origin: germline.
Comment: This missense change has been observed in individual(s) with clinical features of SCN8A-related conditions (Invitae). In at least one individual the variant was observed to be de novo. Advanced modeling of protein sequence and biophysical properties (such as structural, functional, and spatial information, amino acid conservation, physicochemical variation, residue mobility, and thermodynamic stability) performed at Invitae indicates that this missense variant is expected to disrupt SCN8A protein function. This variant disrupts the p.Val892 amino acid residue in SCN8A. Other variant(s) that disrupt this residue have been observed in individuals with SCN8A-related conditions (PMID: 35188110; Invitae), which suggests that this may be a clinically significant amino acid residue. For these reasons, this variant has been classified as Pathogenic. This sequence change replaces valine, which is neutral and non-polar, with leucine, which is neutral and non-polar, at codon 892 of the SCN8A protein (p.Val892Leu). This variant is not present in population databases (gnomAD no frequency).

Literature cited by the submitters: PubMed 35188110 (cited by Labcorp Genetics (formerly Invitae), Labcorp).